The following is an entry in ClinVar:

ClinVar aggregate classification (germline): Uncertain significance. Review status: criteria provided, multiple submitters, no conflicts (2 of 4 stars). 2 submissions from 2 submitters: Uncertain significance (2). Last evaluated 2024-01-01.

Conditions:
Inborn genetic diseases. Identifiers: MedGen C0950123, MeSH D030342.

Allele frequency attached by ClinVar (database versions not stated): gnomAD 0.00001; TOPMed 0.00001; ExAC 0.00010.
gnomAD v4.1: 16 of 1,490,416 alleles (0.0011%); highest among the groups gnomAD compares: Middle Eastern, 0.017%; no homozygotes.

Submissions (2):

CeGaT Center for Human Genetics Tuebingen
Classification: Uncertain significance. Last evaluated: 2024-01-01. Review status: criteria provided, single submitter. Criteria: CeGaT Center For Human Genetics Tuebingen Variant Classification Criteria Version 2. Collection method: clinical testing. Allele origin: germline. Affected: yes. Observed: 1 variant allele.
Comment: NAXD: PM2

Ambry Genetics
Classification: Uncertain significance for Inborn genetic diseases. Last evaluated: 2021-06-18. Review status: criteria provided, single submitter. Criteria: Ambry Variant Classification Scheme 2023. Collection method: clinical testing. Allele origin: germline.

NM_001242882.2(NAXD):c.35C>T (p.Ala12Val)

Genes: NAXD (NAD(P)HX dehydratase; plus strand), NAXD-AS1 (NAXD antisense RNA 1; minus strand). Cytogenetic location: 13q34.
Variant type: single nucleotide variant.
Coding change: c.35C>T on transcript NM_001242882.2 (MANE Select); coding-DNA position 35, C replaced by T.
Protein change: p.Ala12Val; replaces alanine 12 with valine.
Molecular consequence: missense variant. On other transcripts: non-coding transcript variant (3), 5 prime UTR variant (2), synonymous variant (1).
Genome position (GRCh38, 1-based): chr13:110,615,636, C>T. VCF-style: chr13-110615636-C-T. GRCh37 (hg19) VCF-style: chr13-111267983-C-T.
Other names: c.-39C>T (NM_001242881.2, NM_018210.4); c.45C>T, p.Gly15= (NM_001242883.2); short protein forms A12V.
Identifiers: ClinVar variation 2232059 (VCV002232059.24), dbSNP rs553877471, ClinGen allele CA7050982.
Genomic context (GRCh38, chr13:110,615,636, plus strand): 5'-CAGCTGGGAATCCGGAATGCTGCCCGATGGCCCTGGGTCCTCGCTGTGGGGCAATCCGGG[C>T]TTGCAGACGAGGTAAGGTCGATTCCATTTGGCCCGGGGATGGTCACACGCGCGGGGGCCG-3'
Protein context (NP_001229811.1, residues 2-22): ALGPRCGAIR[Ala12Val]CRRVLERAFS